The following is an entry in ClinVar:

NM_133379.5(TTN):c.13936A>G (p.Lys4646Glu)

Gene: TTN (titin; minus strand). Cytogenetic location: 2q31.2.
Variant type: single nucleotide variant.
Coding change: c.13936A>G on transcript NM_133379.5; coding-DNA position 13936, A replaced by G.
Protein change: p.Lys4646Glu; replaces lysine 4646 with glutamic acid.
Molecular consequence: missense variant. On other transcripts: intron variant (6).
Genome position (GRCh38, 1-based): chr2:178,748,464, T>C on the plus strand (A>G on the coding strand, the complement: TTN is on the minus strand). VCF-style: chr2-178748464-T-C. GRCh37 (hg19) VCF-style: chr2-179613191-T-C.
Other names: p.K4646E:AAA>GAA; c.10360+4660A>G (NM_133378.4, NM_001256850.1); c.10222+4660A>G (NM_003319.4); c.10798+4660A>G (NM_133437.4); c.10597+4660A>G (NM_133432.3); c.11311+4660A>G (NM_001267550.2); c.13936A>G (NM_133379.4); short protein forms K4646E.
Identifiers: ClinVar variation 47764 (VCV000047764.57), dbSNP rs140909116, ClinGen allele CA284470.
Genomic context (GRCh38, chr2:178,748,464, plus strand): 5'-CACTTTTAGAGATATTGTGTGTGTCAGGTTGTAACGTTTCAGGGCTAGGAATTTTTTCTT[T>C]ATAATGTATTTCCTGCTGTTCCCTAGTTTCTTGCCCTTGGAACTCCAGAGCTGGATCTCC-3'

ClinVar aggregate classification (germline): Benign/Likely benign. Review status: criteria provided, multiple submitters, no conflicts (2 of 4 stars). 12 submissions from 12 submitters: Benign (5); Likely benign (2). 5 of the submissions do not count toward it. Last evaluated 2026-09-01.

Conditions:
TTN-related disorder. Also called: TTN-related disorders; TTN-related condition; TTN-related disease.

Allele frequency attached by ClinVar (database versions not stated): gnomAD 0.00580 and 0.00562; 1000 Genomes Project 0.00260; TOPMed 0.00556; ESP Exome Variant Server 0.00654; gnomAD exomes 0.00676 and 0.00801; 1000 Genomes Project 30x 0.00281; ExAC 0.00824.
gnomAD v4.1: 10,912 of 1,613,048 alleles (0.68%); highest among the groups gnomAD compares: Middle Eastern, 1.7%; 79 homozygotes.

Submissions (12):

CeGaT Center for Human Genetics Tuebingen
Classification: Benign. Last evaluated: 2026-09-01. Review status: criteria provided, single submitter. Criteria: CeGaT Center For Human Genetics Tuebingen Variant Classification Criteria Version 2. Collection method: clinical testing. Allele origin: germline. Affected: yes. Observed: 170 variant alleles.
Comment: TTN: BP4, BS1, BS2

ARUP Laboratories, Molecular Genetics and Genomics, ARUP Laboratories
Classification: Benign. Last evaluated: 2025-06-02. Review status: criteria provided, single submitter. Criteria: ARUP Molecular Germline Variant Investigation Process 2024. Collection method: clinical testing. Allele origin: germline.

Molecular Diagnostic Laboratory for Inherited Cardiovascular Disease, Montreal Heart Institute
Classification: Likely benign. Last evaluated: 2025-04-09. Review status: criteria provided, single submitter. Criteria: ACMG Guidelines, 2015. Collection method: clinical testing. Allele origin: germline. Affected: no.

Laboratory for Molecular Medicine, Mass General Brigham Personalized Medicine
Classification: Benign. Last evaluated: 2014-12-17. Review status: criteria provided, single submitter. Criteria: LMM Criteria. Collection method: clinical testing. Allele origin: germline. Observed: 36 variant alleles.
Comment: p.Lys4646Glu in exon 45A of TTN: This variant is not expected to have clinical s ignificance because it has been identified in 1.1% (182/16562) of South Asian ch romosomes by the Exome Aggregation Consortium (ExAC .org; dbSNP rs140909116).

GeneDx
Classification: Benign. Last evaluated: 2014-09-03. Review status: criteria provided, single submitter. Criteria: GeneDx Variant Classification (06012015). Collection method: clinical testing. Allele origin: germline. Affected: yes.
Comment: This variant is considered likely benign or benign based on one or more of the following criteria: it is a conservative change, it occurs at a poorly conserved position in the protein, it is predicted to be benign by multiple in silico algorithms, and/or has population frequency not consistent with disease.

Biesecker Lab/Clinical Genomics Section, National Institutes of Health
Classification: Benign. Last evaluated: 2013-06-24. Review status: criteria provided, single submitter. Criteria: Ng et al. (Circ Cardiovasc Genet. 2013). Collection method: research. Allele origin: unknown. Observed: 26 variant alleles. Study: ClinSeq.
Comment: The study set was not selected for affection status in relation to any cancer. Pathogenicity categories were based on literature curation. See Pubmed ID:23861362 for details.

Medical sequencing

Breakthrough Genomics
Classification: Likely benign. Review status: criteria provided, single submitter. Criteria: ACMG Guidelines, 2015. Collection method: not provided. Allele origin: germline. Inheritance: Autosomal recessive inheritance. Affected: yes.

PreventionGenetics, part of Exact Sciences
Classification: Benign for TTN-related condition. Last evaluated: 2019-05-13. Review status: no assertion criteria provided. Collection method: clinical testing. Allele origin: germline. Not counted in ClinVar's aggregate classification.
Comment: This variant is classified as benign based on ACMG/AMP sequence variant interpretation guidelines (Richards et al. 2015 PMID: 25741868, with internal and published modifications).

Clinical Genetics, Academic Medical Center
Classification: Benign. Review status: no assertion criteria provided. Collection method: clinical testing. Allele origin: germline. Affected: yes. Study: VKGL Data-share Consensus. Not counted in ClinVar's aggregate classification.

Diagnostic Laboratory, Department of Genetics, University Medical Center Groningen
Classification: Likely benign. Review status: no assertion criteria provided. Collection method: clinical testing. Allele origin: germline. Affected: yes. Study: VKGL Data-share Consensus. Not counted in ClinVar's aggregate classification.

Joint Genome Diagnostic Labs from Nijmegen and Maastricht, Radboudumc and MUMC+
Classification: Benign. Review status: no assertion criteria provided. Collection method: clinical testing. Allele origin: germline. Affected: yes. Study: VKGL Data-share Consensus. Not counted in ClinVar's aggregate classification.

Laboratory of Diagnostic Genome Analysis, Leiden University Medical Center (LUMC)
Classification: Likely benign. Review status: no assertion criteria provided. Collection method: clinical testing. Allele origin: germline. Affected: yes. Study: VKGL Data-share Consensus. Not counted in ClinVar's aggregate classification.